The following is an entry in ClinVar:

NM_058004.4(PI4KA):c.4672C>T (p.Leu1558=)

Gene: PI4KA (phosphatidylinositol 4-kinase alpha; minus strand). Cytogenetic location: 22q11.21.
Variant type: single nucleotide variant.
Coding change: c.4672C>T on transcript NM_058004.4 (MANE Select); coding-DNA position 4672, C replaced by T.
Protein change: p.Leu1558=; no amino-acid change (leucine 1558 retained).
Molecular consequence: synonymous variant.
Genome position (GRCh38, 1-based): chr22:20,729,323, G>A on the plus strand (C>T on the coding strand, the complement: PI4KA is on the minus strand). VCF-style: chr22-20729323-G-A. GRCh37 (hg19) VCF-style: chr22-21083611-G-A.
Other names: c.4579C>T, p.Leu1527= (NM_001362862.2); c.4606C>T, p.Leu1536= (NM_001362863.2).
Identifiers: ClinVar variation 733936 (VCV000733936.6), dbSNP rs113882528, ClinGen allele CA10115009.

ClinVar aggregate classification (germline): Conflicting classifications of pathogenicity. Review status: criteria provided, conflicting classifications (1 of 4 stars). 3 submissions from 3 submitters: Uncertain significance (1); Benign (1). 1 of the submissions does not count toward it. Last evaluated 2018-12-07.

Conditions:
Polymicrogyria, perisylvian, with cerebellar hypoplasia and arthrogryposis (NEDSPLB). Identifiers: MedGen C4225295, MONDO:0014679, OMIM 616531.
PI4KA-related disorder. Also called: PI4KA-related disorders; PI4KA-related condition. Identifiers: MedGen CN378147, MONDO:1040012.

Allele frequency attached by ClinVar (database versions not stated): gnomAD exomes 0.00018 and 0.00050; ExAC 0.00068; 1000 Genomes Project 30x 0.00156; gnomAD 0.00166 and 0.00176; 1000 Genomes Project 0.00180; TOPMed 0.00182; ESP Exome Variant Server 0.00261.
gnomAD v4.1: 540 of 1,613,218 alleles (0.033%); highest among the groups gnomAD compares: African/African-American, 0.6%; no homozygotes.

Submissions (3):

Baylor Genetics
Classification: Uncertain significance for Polymicrogyria, perisylvian, with cerebellar hypoplasia and arthrogryposis. Last evaluated: 2018-12-07. Review status: criteria provided, single submitter. Criteria: ACMG Guidelines, 2015. Collection method: clinical testing. Allele origin: unknown. Affected: yes.
Comment: This variant was determined to be of uncertain significance according to ACMG Guidelines, 2015 [PMID:25741868].

Labcorp Genetics (formerly Invitae), Labcorp
Classification: Benign. Last evaluated: 2017-12-11. Review status: criteria provided, single submitter. Criteria: Invitae Variant Classification Sherloc (09022015). Collection method: clinical testing. Allele origin: germline.

PreventionGenetics, part of Exact Sciences
Classification: Likely benign for PI4KA-related condition. Last evaluated: 2019-05-01. Review status: no assertion criteria provided. Collection method: clinical testing. Allele origin: germline. Not counted in ClinVar's aggregate classification.
Comment: This variant is classified as likely benign based on ACMG/AMP sequence variant interpretation guidelines (Richards et al. 2015 PMID: 25741868, with internal and published modifications).